The following is an entry in ClinVar:

NM_000256.3(MYBPC3):c.2542_2543delinsTG (p.Ala848Trp)

Gene: MYBPC3 (myosin binding protein C3; minus strand). Cytogenetic location: 11p11.2.
Variant type: Indel.
Coding change: c.2542_2543delinsTG on transcript NM_000256.3 (MANE Select); coding-DNA positions 2542 to 2543, GC replaced by TG.
Protein change: p.Ala848Trp; replaces alanine 848 with tryptophan.
Molecular consequence: missense variant.
Genome position (GRCh38, 1-based): chr11:47,337,450-47,337,451, GC replaced by CA on the plus strand (GC replaced by TG on the coding strand, the reverse complement: MYBPC3 is on the minus strand). VCF-style: chr11-47337450-GC-CA. GRCh37 (hg19) VCF-style: chr11-47359001-GC-CA.
Other names: c.2542_2543delGCinsTG (NM_000256.3); short protein forms A848W.
Identifiers: ClinVar variation 1308439 (VCV001308439.8), dbSNP rs2142855225, ClinGen allele CA2573053508.

ClinVar aggregate classification (germline): Uncertain significance. Review status: criteria provided, multiple submitters, no conflicts (2 of 4 stars). 3 submissions from 3 submitters: Uncertain significance (3). Last evaluated 2024-08-18.

Conditions:
Hypertrophic cardiomyopathy. Also called: HYPERTROPHIC MYOCARDIOPATHY. Identifiers: Orphanet 217569, MedGen C0007194, MeSH D002312, MONDO:0005045, HP:0001639.
Cardiovascular phenotype. Identifiers: MedGen CN230736.

Submissions (3):

Labcorp Genetics (formerly Invitae), Labcorp
Classification: Uncertain significance for Hypertrophic cardiomyopathy. Last evaluated: 2024-08-18. Review status: criteria provided, single submitter. Criteria: Invitae Variant Classification Sherloc (09022015). Collection method: clinical testing. Allele origin: germline.
Comment: This sequence change replaces alanine, which is neutral and non-polar, with tryptophan, which is neutral and slightly polar, at codon 848 of the MYBPC3 protein (p.Ala848Trp). Information on the frequency of this variant in the gnomAD database is not available, as this variant may be reported differently in the database. This variant has not been reported in the literature in individuals affected with MYBPC3-related conditions. ClinVar contains an entry for this variant (Variation ID: 1308439). An algorithm developed to predict the effect of missense changes on protein structure and function (PolyPhen-2) suggests that this variant is likely to be disruptive. This variant disrupts the p.Ala848 amino acid residue in MYBPC3. Other variant(s) that disrupt this residue have been determined to be pathogenic (PMID: 25740977, 28408708, 28416588; Invitae). This suggests that this residue is clinically significant, and that variants that disrupt this residue are likely to be disease-causing. In summary, the available evidence is currently insufficient to determine the role of this variant in disease. Therefore, it has been classified as a Variant of Uncertain Significance.

Ambry Genetics
Classification: Uncertain significance for Cardiovascular phenotype. Last evaluated: 2022-11-08. Review status: criteria provided, single submitter. Criteria: Ambry Variant Classification Scheme 2023. Collection method: clinical testing. Allele origin: germline.
Comment: The c.2542_2543delGCinsTG variant (also known as p.A848W), located in coding exon 25 of the MYBPC3 gene, results from an in-frame deletion of GC and insertion of TG at nucleotide positions 2542 to 2543. This results in the substitution of the alanine residue for a tryptophan residue at codon 848, an amino acid with dissimilar properties. Alternate amino acid substitutions at this codon, p.A848E and A848V, have been reported in hypertrophic cardiomyopathy cohorts; however, clinical details were limited (Calore C et al. J. Med. Genet., 2015 May;52:338-47; Burns C et al. Circ Cardiovasc Genet, 2017 Aug;10:[Epub ahead of print]; Meyer T et al. Gene, 2013 Sep;527:416-20). This amino acid position is highly conserved in available vertebrate species. In addition, this alteration is predicted to be deleterious by in silico analysis (Choi Y et al. PLoS ONE. 2012; 7(10):e46688). Since supporting evidence is limited at this time, the clinical significance of this alteration remains unclear.

GeneDx
Classification: Uncertain significance. Last evaluated: 2019-03-28. Review status: criteria provided, single submitter. Criteria: GeneDx Variant Classification Process June 2021. Collection method: clinical testing. Allele origin: germline. Affected: yes.
Comment: Has not been previously published as pathogenic or benign to our knowledge; Not observed in large population cohorts (Lek et al., 2016); In silico analysis, which includes protein predictors and evolutionary conservation, supports a deleterious effect

Literature cited by the submitters: PubMed 25740977 (cited by Labcorp Genetics (formerly Invitae), Labcorp); PubMed 28408708 (cited by Labcorp Genetics (formerly Invitae), Labcorp); PubMed 28416588 (cited by Labcorp Genetics (formerly Invitae), Labcorp).